The following is an entry in ClinVar:

ClinVar aggregate classification (germline): Likely benign (1 of 4 stars; one submission).

Allele frequency attached by ClinVar (database versions not stated): gnomAD 0.01794 and 0.01874; ESP Exome Variant Server 0.01905; 1000 Genomes Project 0.01997; TOPMed 0.02023; 1000 Genomes Project 30x 0.02171.
gnomAD v4.1: 2,725 of 152,310 alleles (1.8%); highest among the groups gnomAD compares: Middle Eastern, 5.8%; 41 homozygotes.

Submission:

GeneDx
Classification: Likely benign. Last evaluated: 2018-06-19. Review status: criteria provided, single submitter. Criteria: GeneDx Variant Classification (06012015). Collection method: clinical testing. Allele origin: germline. Affected: yes.
Comment: This variant is considered likely benign or benign based on one or more of the following criteria: it is a conservative change, it occurs at a poorly conserved position in the protein, it is predicted to be benign by multiple in silico algorithms, and/or has population frequency not consistent with disease.

NM_001105206.3(LAMA4):c.1357+312T>A

Gene: LAMA4 (laminin subunit alpha 4; minus strand). Cytogenetic location: 6q21.
Variant type: single nucleotide variant.
Coding change: c.1357+312T>A on transcript NM_001105206.3 (MANE Select); 312 bases into the intron after coding-DNA position 1357, T replaced by A.
Molecular consequence: intron variant.
Genome position (GRCh38, 1-based): chr6:112,175,001, A>T on the plus strand (T>A on the coding strand, the complement: LAMA4 is on the minus strand). VCF-style: chr6-112175001-A-T. GRCh37 (hg19) VCF-style: chr6-112496203-A-T.
Other names: c.1336+312T>A (NM_002290.5, NM_001105207.3).
Identifiers: ClinVar variation 668988 (VCV000668988.1), dbSNP rs140989200, ClinGen allele CA144877119.
Genomic context (GRCh38, chr6:112,175,001, plus strand): 5'-TCACAACATGAATGTTTCTGGCCTTGTAGCATTCCTGCCTTCTCAATAAAATTTCTTTAA[A>T]TGTAGTTCTGGGAATTGGTTTCCTTTAGTCTTCCTTCTACTGTTTTATACGTTTTTCACC-3'